The following is an entry in ClinVar:

ClinVar aggregate classification (germline): Uncertain significance (1 of 4 stars; one submission).

Conditions:
Intellectual developmental disorder, autosomal dominant 3. Also called: Intellectual disability, autosomal dominant 3. Identifiers: MedGen C2675488, MONDO:0012946, OMIM 612580.

Submission:

Dasa
Classification: Uncertain significance for Intellectual developmental disorder, autosomal dominant 3. Last evaluated: 2024-11-16. Review status: criteria provided, single submitter. Criteria: DASA Assertion Criteria. Collection method: clinical testing. Allele origin: germline.
Comment: NM_004933.3(CDH15):c.724G>T (p.Ala242Ser) is a missense variant that results in the substitution of alanine with serine. This variant is absent from population databases. Computational prediction algorithms are consistent with a benign effect. The currently available literature and clinical evidence are not sufficient to establish a definitive association between this variant and the reported condition. Therefore, this variant is classified as a variant of uncertain significance.

NM_004933.3(CDH15):c.724G>T (p.Ala242Ser)

Gene: CDH15 (cadherin 15; plus strand). Cytogenetic location: 16q24.3.
Variant type: single nucleotide variant.
Coding change: c.724G>T on transcript NM_004933.3 (MANE Select); coding-DNA position 724, G replaced by T.
Protein change: p.Ala242Ser; replaces alanine 242 with serine.
Molecular consequence: missense variant.
Genome position (GRCh38, 1-based): chr16:89,187,489, G>T. VCF-style: chr16-89187489-G-T. GRCh37 (hg19) VCF-style: chr16-89253897-G-T.
Other names: short protein forms A242S.
Identifiers: ClinVar variation 4883209 (VCV004883209.2).